The following is an entry in ClinVar:

NM_020778.5(ALPK3):c.2014G>C (p.Glu672Gln)

Gene: ALPK3 (alpha kinase 3; plus strand). Cytogenetic location: 15q25.3.
Variant type: single nucleotide variant.
Coding change: c.2014G>C on transcript NM_020778.5 (MANE Select); coding-DNA position 2014, G replaced by C.
Protein change: p.Glu672Gln; replaces glutamic acid 672 with glutamine.
Molecular consequence: missense variant.
Genome position (GRCh38, 1-based): chr15:84,856,752, G>C. VCF-style: chr15-84856752-G-C. GRCh37 (hg19) VCF-style: chr15-85399983-G-C.
Other names: short protein forms E672Q.
Identifiers: ClinVar variation 3694397 (VCV003694397.2).
Genomic context (GRCh38, chr15:84,856,752, plus strand): 5'-CAGTCAGACAGGAGTGCACAGAAGGGCATGATGACACAGGGAAGGGCAGAGACACAGCTA[G>C]AAACAACACAGGCAGGTGAGAAGATACAGGAAGACAGGAAGGCCCAGGCAGATAAGGGCA-3'
Protein context (NP_065829.4, residues 662-682): MTQGRAETQL[Glu672Gln]TTQAGEKIQE

ClinVar aggregate classification (germline): Uncertain significance (1 of 4 stars; one submission).

Submission:

Labcorp Genetics (formerly Invitae), Labcorp
Classification: Uncertain significance. Last evaluated: 2024-11-24. Review status: criteria provided, single submitter. Criteria: Invitae Variant Classification Sherloc (09022015). Collection method: clinical testing. Allele origin: germline.
Comment: This sequence change replaces glutamic acid, which is acidic and polar, with glutamine, which is neutral and polar, at codon 874 of the ALPK3 protein (p.Glu874Gln). This variant is not present in population databases (gnomAD no frequency). This variant has not been reported in the literature in individuals affected with ALPK3-related conditions. Invitae Evidence Modeling of protein sequence and biophysical properties (such as structural, functional, and spatial information, amino acid conservation, physicochemical variation, residue mobility, and thermodynamic stability) has been performed for this missense variant. However, the output from this modeling did not meet the statistical confidence thresholds required to predict the impact of this variant on ALPK3 protein function. In summary, the available evidence is currently insufficient to determine the role of this variant in disease. Therefore, it has been classified as a Variant of Uncertain Significance.